The following is an entry in ClinVar:

NM_052947.4(ALPK2):c.4216A>T (p.Ile1406Phe)

Genes: ALPK2 (alpha kinase 2; minus strand), LOC126862764 (BRD4-independent group 4 enhancer GRCh37_chr18:56202574-56203773; plus strand). Cytogenetic location: 18q21.31.
Variant type: single nucleotide variant.
Coding change: c.4216A>T on transcript NM_052947.4 (MANE Select); coding-DNA position 4216, A replaced by T.
Protein change: p.Ile1406Phe; replaces isoleucine 1406 with phenylalanine.
Molecular consequence: missense variant.
Genome position (GRCh38, 1-based): chr18:58,535,971, T>A on the plus strand (A>T on the coding strand, the complement: ALPK2 is on the minus strand). VCF-style: chr18-58535971-T-A. GRCh37 (hg19) VCF-style: chr18-56203203-T-A.
Other names: short protein forms I1406F.
Identifiers: ClinVar variation 3228726 (VCV003228726.1), dbSNP rs747919847, ClinGen allele CA8976751.

ClinVar aggregate classification (germline): Uncertain significance (1 of 4 stars; one submission).

Allele frequency attached by ClinVar (database versions not stated): gnomAD exomes below 0.00001; gnomAD 0.00001; ExAC 0.00002.
gnomAD v4.1: 5 of 1,614,106 alleles (0.00031%); highest among the groups gnomAD compares: East Asian, 0.011%; no homozygotes.

Submission:

Ambry Genetics
Classification: Uncertain significance. Last evaluated: 2023-10-13. Review status: criteria provided, single submitter. Criteria: Ambry Variant Classification Scheme 2023. Collection method: clinical testing. Allele origin: germline.
Comment: The p.I1406F variant (also known as c.4216A>T), located in coding exon 4 of the ALPK2 gene, results from an A to T substitution at nucleotide position 4216. The isoleucine at codon 1406 is replaced by phenylalanine, an amino acid with highly similar properties. This amino acid position is conserved. In addition, this alteration is predicted to be tolerated by in silico analysis. Since supporting evidence is limited at this time, the clinical significance of this alteration remains unclear.